The following is an entry in ClinVar:

NM_007294.4(BRCA1):c.5074+284C>A

Gene: BRCA1 (BRCA1 DNA repair associated; minus strand). Cytogenetic location: 17q21.31.
Variant type: single nucleotide variant.
Coding change: c.5074+284C>A on transcript NM_007294.4 (MANE Select); 284 bases into the intron after coding-DNA position 5074, C replaced by A.
Molecular consequence: intron variant.
Genome position (GRCh38, 1-based): chr17:43,067,324, G>T on the plus strand (C>A on the coding strand, the complement: BRCA1 is on the minus strand). VCF-style: chr17-43067324-G-T. GRCh37 (hg19) VCF-style: chr17-41219341-G-T.
Other names: IVS 17+284C>A; c.1621+284C>A (NM_001408458.1, NM_001408461.1, NM_001408464.1 and 7 more transcripts); c.4183+284C>A (NM_001407967.1); c.4693+284C>A (NM_001407959.1); c.4807+284C>A (NM_001407931.1, NM_001407932.1, NM_001407928.1 and 4 more transcripts); c.4930+284C>A (NM_001407747.1, NM_001407745.1, NM_001407737.1 and 21 more transcripts); c.4690+284C>A (NM_001407962.1, NM_001407960.1); c.1261+284C>A (NM_001408512.1); and 72 more.
Identifiers: ClinVar variation 127127 (VCV000127127.7), dbSNP rs11654396, ClinGen allele CA003195.

ClinVar aggregate classification (germline): Benign. Review status: reviewed by expert panel (3 of 4 stars). 4 submissions from 4 submitters: Benign (1). 3 of the submissions do not count toward it. Last evaluated 2015-01-12.

Conditions:
Breast-ovarian cancer, familial, susceptibility to, 1 (BROVCA1). Also called: BRCA1 Hereditary Breast and Ovarian Cancer; OVARIAN CANCER, SUSCEPTIBILITY TO. Identifiers: Orphanet 145, MedGen C2676676, MONDO:0011450, OMIM 604370. Disease mechanism: loss of function.
Familial cancer of breast. Also called: Hereditary breast cancer; hereditary breast carcinoma; BREAST CANCER, FAMILIAL. Identifiers: Orphanet 227535, MedGen C0346153, MONDO:0016419, OMIM 114480. Disease mechanism: loss of function.

Allele frequency attached by ClinVar (database versions not stated): TOPMed 0.21703; gnomAD 0.23139 and 0.23820; 1000 Genomes Project 30x 0.25047; 1000 Genomes Project 0.25280; gnomAD exomes 0.30069.

Submissions (4):

Evidence-based Network for the Interpretation of Germline Mutant Alleles (ENIGMA)
Classification: Benign for Breast-ovarian cancer, familial 1. Last evaluated: 2015-01-12. Review status: reviewed by expert panel. Criteria: ENIGMA BRCA1/2 Classification Criteria (2015). Collection method: curation. Allele origin: germline.
Comment: Class 1 not pathogenic based on frequency >1% in an outbred sampleset. Frequency 0.1626 (Asian), 0.1138 (African), 0.2704 (European), derived from 1000 genomes (2012-04-30).

GeneDx
Classification: Benign. Last evaluated: 2018-06-23. Review status: criteria provided, single submitter. Criteria: GeneDx Variant Classification Process June 2021. Collection method: clinical testing. Allele origin: germline. Affected: yes. Not counted in ClinVar's aggregate classification.

Breakthrough Genomics
Classification: Benign. Review status: criteria provided, single submitter. Criteria: ACMG Guidelines, 2015. Collection method: not provided. Allele origin: germline. Inheritance: Autosomal recessive inheritance. Affected: yes. Not counted in ClinVar's aggregate classification.

Genomic Research Center, Shahid Beheshti University of Medical Sciences
No classification provided. Condition: Familial cancer of breast. Review status: no classification provided. Collection method: not provided. Allele origin: somatic. Not counted in ClinVar's aggregate classification.
ClinVar note: Converted during submission from untested to not provided.